The following is an entry in ClinVar:

ClinVar aggregate classification (germline): Uncertain significance (1 of 4 stars; one submission).

Conditions:
Jeune thoracic dystrophy. Also called: Jeune syndrome; Infantile thoracic dystrophy; Thoracic pelvic phalangeal dystrophy; Jeune's syndrome; Chondroectodermal dysplasia-like syndrome; Short-rib thoracic dysplasia. Identifiers: Orphanet 474, MedGen C0265275, MONDO:0018770.

Submission:

Labcorp Genetics (formerly Invitae), Labcorp
Classification: Uncertain significance for Jeune thoracic dystrophy. Last evaluated: 2022-05-15. Review status: criteria provided, single submitter. Criteria: Invitae Variant Classification Sherloc (09022015). Collection method: clinical testing. Allele origin: germline.
Comment: In summary, the available evidence is currently insufficient to determine the role of this variant in disease. Therefore, it has been classified as a Variant of Uncertain Significance. Algorithms developed to predict the effect of missense changes on protein structure and function (SIFT, PolyPhen-2, Align-GVGD) all suggest that this variant is likely to be tolerated. This variant has not been reported in the literature in individuals affected with IFT80-related conditions. This variant is not present in population databases (gnomAD no frequency). This sequence change replaces lysine, which is basic and polar, with asparagine, which is neutral and polar, at codon 52 of the IFT80 protein (p.Lys52Asn).

NM_020800.3(IFT80):c.156G>C (p.Lys52Asn)

Genes: IFT80 (intraflagellar transport 80; minus strand), TRIM59-IFT80 (TRIM59-IFT80 readthrough (NMD candidate); minus strand). Cytogenetic location: 3q25.33.
Variant type: single nucleotide variant.
Coding change: c.156G>C on transcript NM_020800.3 (MANE Select); coding-DNA position 156, G replaced by C.
Protein change: p.Lys52Asn; replaces lysine 52 with asparagine.
Molecular consequence: missense variant. On other transcripts: non-coding transcript variant (2), 5 prime UTR variant (2).
Genome position (GRCh38, 1-based): chr3:160,381,606, C>G on the plus strand (G>C on the coding strand, the complement: IFT80 is on the minus strand). VCF-style: chr3-160381606-C-G. GRCh37 (hg19) VCF-style: chr3-160099394-C-G.
Other names: c.-256G>C (NM_001190241.2, NM_001190242.2); short protein forms K52N.
Identifiers: ClinVar variation 1994558 (VCV001994558.4), dbSNP rs746919440, ClinGen allele CA355194950.